The following is an entry in ClinVar:

ClinVar aggregate classification (germline): Uncertain significance (1 of 4 stars; one submission).

Conditions:
Capillary malformation-arteriovenous malformation syndrome. Also called: Capillary malformation-arteriovenous malformation. Identifiers: Orphanet 137667, MedGen C1842180, MONDO:0012016.

Allele frequency attached by ClinVar (database versions not stated): gnomAD exomes below 0.00001.
gnomAD v4.1: 3 of 1,613,696 alleles (0.00019%); highest among the groups gnomAD compares: Non-Finnish European, 0.00025%; no homozygotes.

Submission:

Labcorp Genetics (formerly Invitae), Labcorp
Classification: Uncertain significance for Capillary malformation-arteriovenous malformation syndrome. Last evaluated: 2023-02-20. Review status: criteria provided, single submitter. Criteria: Invitae Variant Classification Sherloc (09022015). Collection method: clinical testing. Allele origin: germline.
Comment: This variant has not been reported in the literature in individuals affected with RASA1-related conditions. This variant is not present in population databases (gnomAD no frequency). This sequence change replaces serine, which is neutral and polar, with asparagine, which is neutral and polar, at codon 582 of the RASA1 protein (p.Ser582Asn). An algorithm developed to predict the effect of missense changes on protein structure and function (PolyPhen-2) suggests that this variant is likely to be tolerated. In summary, the available evidence is currently insufficient to determine the role of this variant in disease. Therefore, it has been classified as a Variant of Uncertain Significance.

NM_002890.3(RASA1):c.1745G>A (p.Ser582Asn)

Genes: CCNH (cyclin H; minus strand), RASA1 (RAS p21 protein activator 1; plus strand). Cytogenetic location: 5q14.3.
Variant type: single nucleotide variant.
Coding change: c.1745G>A on transcript NM_002890.3 (MANE Select); coding-DNA position 1745, G replaced by A.
Protein change: p.Ser582Asn; replaces serine 582 with asparagine.
Molecular consequence: missense variant. On other transcripts: intron variant (1).
Genome position (GRCh38, 1-based): chr5:87,372,164, G>A. VCF-style: chr5-87372164-G-A. GRCh37 (hg19) VCF-style: chr5-86667981-G-A.
Other names: c.1214G>A, p.Ser405Asn (NM_022650.3); c.933+22880C>T (NM_001364075.2); short protein forms S405N, S582N.
Identifiers: ClinVar variation 2839117 (VCV002839117.3), dbSNP rs2531332355, ClinGen allele CA360373142.